The following is an entry in ClinVar:

NM_006901.4(MYO9A):c.*4G>A

Gene: MYO9A (myosin IXA; minus strand). Cytogenetic location: 15q23.
Variant type: single nucleotide variant.
Coding change: c.*4G>A on transcript NM_006901.4 (MANE Select); 4 bases downstream of the stop codon, G replaced by A.
Molecular consequence: 3 prime UTR variant.
Genome position (GRCh38, 1-based): chr15:71,826,576, C>T on the plus strand (G>A on the coding strand, the complement: MYO9A is on the minus strand). VCF-style: chr15-71826576-C-T. GRCh37 (hg19) VCF-style: chr15-72118917-C-T.
Identifiers: ClinVar variation 3356719 (VCV003356719.1).
Genomic context (GRCh38, chr15:71,826,576, plus strand): 5'-CGCAGCCCCAAAGGTGAGATTTGTTTACCACTCTGTAGCCACGGAGGGACACACATCTGC[C>T]GGTTCAGACCATAAATTCATTATTTCCAAAGAGTGCTAGCTGTTGGTTGGAGGTGCAGTC-3'

ClinVar aggregate classification (germline): Likely benign (0 of 4 stars; one submission).

Conditions:
MYO9A-related disorder. Also called: MYO9A-related condition.

gnomAD v4.1: 407 of 1,573,492 alleles (0.026%); highest among the groups gnomAD compares: African/African-American, 0.46%; no homozygotes.

Submission:

PreventionGenetics, part of Exact Sciences
Classification: Likely benign for MYO9A-related condition. Last evaluated: 2024-08-21. Review status: no assertion criteria provided. Collection method: clinical testing. Allele origin: germline.
Comment: This variant is classified as likely benign based on ACMG/AMP sequence variant interpretation guidelines (Richards et al. 2015 PMID: 25741868, with internal and published modifications).